The following is an entry in ClinVar:

ClinVar aggregate classification (germline): Conflicting classifications of pathogenicity. Review status: criteria provided, conflicting classifications (1 of 4 stars). 4 submissions from 4 submitters: Pathogenic (1); Likely pathogenic (1); Uncertain significance (1); Likely benign (1). Last evaluated 2025-06-02.

Conditions:
Microcephaly 4, primary, autosomal recessive. Identifiers: Orphanet 2512, MedGen C1858516, MONDO:0011437, OMIM 604321.

Allele frequency attached by ClinVar (database versions not stated): ESP Exome Variant Server 0.00034; ExAC 0.00037; 1000 Genomes Project 0.00040; gnomAD 0.00041; gnomAD exomes 0.00043 and 0.00060; 1000 Genomes Project 30x 0.00047; TOPMed 0.00060.
gnomAD v4.1: 904 of 1,604,858 alleles (0.056%); highest among the groups gnomAD compares: Admixed American, 0.12%; no homozygotes.

Submissions (5):

First Genomix Gene Laboratory, Genetic Diagnostics Department
Classification: Likely pathogenic for Microcephaly 4, primary, autosomal recessive. Last evaluated: 2025-06-02. Review status: criteria provided, single submitter. Criteria: ACMG Guidelines, 2015. Collection method: clinical testing. Allele origin: germline. Inheritance: Autosomal recessive inheritance. Affected: no. Observed: 1 variant allele.

GeneDx
Classification: Pathogenic. Last evaluated: 2025-04-17. Review status: criteria provided, single submitter. Criteria: GeneDx Variant Classification Process June 2021. Collection method: clinical testing. Allele origin: germline. Affected: yes.
Comment: RNA studies demonstrate a damaging effect resulting in aberrant splicing of exon 23 (PMID: 37937525); This variant is associated with the following publications: (PMID: 38180615, 37937525)

3billion
Classification: Likely benign for Microcephaly 4, primary, autosomal recessive. Last evaluated: 2024-09-20. Review status: criteria provided, single submitter. Criteria: ACMG Guidelines, 2015. Collection method: clinical testing. Allele origin: germline. Affected: no.
Comment: The homozygous variant was found in patients diagnosed with another variant in a different gene, with no symptoms related to the gene containing the homozygous variant.

Laboratory of Human Genetics, Universidade de São Paulo
Classification: Uncertain significance for Microcephaly 4, primary, autosomal recessive. Last evaluated: 2022-05-13. Review status: criteria provided, single submitter. Criteria: ACMG Guidelines, 2015. Collection method: research. Allele origin: paternal. Affected: yes. Observed: 2 variant alleles, 2 heterozygotes. Clinical features observed: Microcephaly (HP:0000252).
Comment: This variant meets our criteria to be classified as VUS based upon segregation studies and low frequency.

Dr. Peter K. Rogan Lab, Western University
No classification provided (evidence only). Condition: Gastric cancer. Review status: no classification provided. Collection method: in vitro. Allele origin: not applicable. Functional consequence: retained intron. Not counted in ClinVar's aggregate classification.

NM_144508.5(KNL1):c.6416-13T>G

Gene: KNL1 (kinetochore scaffold 1; plus strand). Cytogenetic location: 15q15.1.
Variant type: single nucleotide variant.
Coding change: c.6416-13T>G on transcript NM_144508.5 (MANE Select); 13 bases into the intron before coding-DNA position 6416, T replaced by G.
Molecular consequence: intron variant.
Genome position (GRCh38, 1-based): chr15:40,654,896, T>G. VCF-style: chr15-40654896-T-G. GRCh37 (hg19) VCF-style: chr15-40947094-T-G.
Other names: NC_000015.9:g.40947094T>G; c.6494-13T>G (NM_170589.5).
Identifiers: ClinVar variation 489318 (VCV000489318.12), dbSNP rs370035611, ClinGen allele CA7483721.